The following is an entry in ClinVar:

ClinVar aggregate classification (germline): Uncertain significance (1 of 4 stars; one submission).

Conditions:
Hereditary cancer-predisposing syndrome. Also called: Hereditary Cancer Syndrome; Hereditary neoplastic syndrome; Tumor predisposition; Neoplastic Syndromes, Hereditary. Identifiers: Orphanet 140162, MedGen C0027672, MeSH D009386, MONDO:0015356.

Submission:

Ambry Genetics
Classification: Uncertain significance for Hereditary cancer-predisposing syndrome. Last evaluated: 2024-11-14. Review status: criteria provided, single submitter. Criteria: Ambry Variant Classification Scheme 2023. Collection method: clinical testing. Allele origin: germline.
Comment: The p.K774Q variant (also known as c.2320A>C), located in coding exon 14 of the PMS2 gene, results from an A to C substitution at nucleotide position 2320. The lysine at codon 774 is replaced by glutamine, an amino acid with similar properties. This amino acid position is highly conserved in available vertebrate species. In addition, this alteration is predicted to be deleterious by in silico analysis. Since supporting evidence is limited at this time, the clinical significance of this alteration remains unclear.

NM_000535.7(PMS2):c.2320A>C (p.Lys774Gln)

Gene: PMS2 (PMS1 homolog 2, mismatch repair system component; minus strand). Cytogenetic location: 7p22.1.
Variant type: single nucleotide variant.
Coding change: c.2320A>C on transcript NM_000535.7 (MANE Select); coding-DNA position 2320, A replaced by C.
Protein change: p.Lys774Gln; replaces lysine 774 with glutamine.
Molecular consequence: missense variant. On other transcripts: non-coding transcript variant (1).
Genome position (GRCh38, 1-based): chr7:5,977,713, T>G on the plus strand (A>C on the coding strand, the complement: PMS2 is on the minus strand). VCF-style: chr7-5977713-T-G. GRCh37 (hg19) VCF-style: chr7-6017344-T-G.
Other names: c.1915A>C, p.Lys639Gln (NM_001018040.1, NM_001322003.2, NM_001322004.2 and 12 more transcripts); c.2164A>C, p.Lys722Gln (NM_001322006.2); c.2002A>C, p.Lys668Gln (NM_001322007.2, NM_001322008.2, NM_001406883.1); c.1948A>C, p.Lys650Gln (NM_001322009.2, NM_001406887.1, NM_001406888.1); c.1759A>C, p.Lys587Gln (NM_001322010.2, NM_001406906.1, NM_001406907.1); c.1387A>C, p.Lys463Gln (NM_001322011.2, NM_001322012.2); c.1747A>C, p.Lys583Gln (NM_001322013.2, NM_001406908.1, NM_001406909.1); c.2353A>C, p.Lys785Gln (NM_001322014.2); and 20 more; short protein forms K535Q, K650Q, K668Q, K671Q, K718Q, K733Q, K587Q, K612Q.
Identifiers: ClinVar variation 1789568 (VCV001789568.3), dbSNP rs770912139, ClinGen allele CA366736010.
Genomic context (GRCh38, chr7:5,977,713, plus strand): 5'-GGCTGTCGCTCAGCATGAAGATCAGTTCATCGACGTCCTGGGGTCCGAAGGTCCAGTTTT[T>G]ACTAGTTGGCAAGGAAATCAGTTTAGCCCTTTCAGTGACTGGAGCTAAAAGAATACAATT-3'
Protein context (NP_000526.2, residues 764-784): RAKLISLPTS[Lys774Gln]NWTFGPQDVD